The following is an entry in ClinVar:

ClinVar aggregate classification (germline): Uncertain significance (1 of 4 stars; one submission).

Allele frequency attached by ClinVar (database versions not stated): TOPMed below 0.00001.

Submission:

Labcorp Genetics (formerly Invitae), Labcorp
Classification: Uncertain significance. Last evaluated: 2024-02-24. Review status: criteria provided, single submitter. Criteria: Invitae Variant Classification Sherloc (09022015). Collection method: clinical testing. Allele origin: germline.
Comment: This sequence change replaces valine, which is neutral and non-polar, with aspartic acid, which is acidic and polar, at codon 1426 of the CDH23 protein (p.Val1426Asp). This variant is not present in population databases (gnomAD no frequency). This variant has not been reported in the literature in individuals affected with CDH23-related conditions. ClinVar contains an entry for this variant (Variation ID: 1716937). Advanced modeling of protein sequence and biophysical properties (such as structural, functional, and spatial information, amino acid conservation, physicochemical variation, residue mobility, and thermodynamic stability) has been performed at Invitae for this missense variant, however the output from this modeling did not meet the statistical confidence thresholds required to predict the impact of this variant on CDH23 protein function. In summary, the available evidence is currently insufficient to determine the role of this variant in disease. Therefore, it has been classified as a Variant of Uncertain Significance.

NM_022124.6(CDH23):c.4277T>A (p.Val1426Asp)

Gene: CDH23 (cadherin related 23; plus strand). Cytogenetic location: 10q22.1.
Variant type: single nucleotide variant.
Coding change: c.4277T>A on transcript NM_022124.6 (MANE Select); coding-DNA position 4277, T replaced by A.
Protein change: p.Val1426Asp; replaces valine 1426 with aspartic acid.
Molecular consequence: missense variant.
Genome position (GRCh38, 1-based): chr10:71,738,565, T>A. VCF-style: chr10-71738565-T-A. GRCh37 (hg19) VCF-style: chr10-73498322-T-A.
Other names: short protein forms V1426D.
Identifiers: ClinVar variation 1716937 (VCV001716937.5), dbSNP rs1589387861, ClinGen allele CA377159234.